The following is an entry in ClinVar:

NM_002246.3(KCNK3):c.1180G>A (p.Val394Met)

Gene: KCNK3 (potassium two pore domain channel subfamily K member 3; plus strand). Cytogenetic location: 2p23.3.
Variant type: single nucleotide variant.
Coding change: c.1180G>A on transcript NM_002246.3 (MANE Select); coding-DNA position 1180, G replaced by A.
Protein change: p.Val394Met; replaces valine 394 with methionine.
Molecular consequence: missense variant.
Genome position (GRCh38, 1-based): chr2:26,728,563, G>A. VCF-style: chr2-26728563-G-A. GRCh37 (hg19) VCF-style: chr2-26951431-G-A.
Other names: short protein forms V394M.
Identifiers: ClinVar variation 474317 (VCV000474317.6), dbSNP rs1553387738, ClinGen allele CA346263581.

ClinVar aggregate classification (germline): Uncertain significance (1 of 4 stars; one submission).

Conditions:
Pulmonary hypertension, primary, 4. Identifiers: Orphanet 422, MedGen C3809198, MONDO:0014136, OMIM 615344.

Allele frequency attached by ClinVar (database versions not stated): gnomAD exomes below 0.00001.
gnomAD v4.1: 2 of 1,446,246 alleles (0.00014%); highest among the groups gnomAD compares: Non-Finnish European, 0.000091%; no homozygotes.

Submission:

Labcorp Genetics (formerly Invitae), Labcorp
Classification: Uncertain significance for Pulmonary hypertension, primary, 4. Last evaluated: 2022-08-31. Review status: criteria provided, single submitter. Criteria: Invitae Variant Classification Sherloc (09022015). Collection method: clinical testing. Allele origin: germline.
Comment: This sequence change replaces valine, which is neutral and non-polar, with methionine, which is neutral and non-polar, at codon 394 of the KCNK3 protein (p.Val394Met). This variant is not present in population databases (gnomAD no frequency). This variant has not been reported in the literature in individuals affected with KCNK3-related conditions. ClinVar contains an entry for this variant (Variation ID: 474317). Algorithms developed to predict the effect of missense changes on protein structure and function are either unavailable or do not agree on the potential impact of this missense change (SIFT: "Tolerated"; PolyPhen-2: "Possibly Damaging"; Align-GVGD: "Class C0"). In summary, the available evidence is currently insufficient to determine the role of this variant in disease. Therefore, it has been classified as a Variant of Uncertain Significance.